The following is an entry in ClinVar:

NM_152743.4(BRAT1):c.105G>A (p.Trp35Ter)

Gene: BRAT1 (BRCA1 associated ATM activator 1; minus strand). Cytogenetic location: 7p22.3.
Variant type: single nucleotide variant.
Coding change: c.105G>A on transcript NM_152743.4 (MANE Select); coding-DNA position 105, G replaced by A.
Protein change: p.Trp35Ter; replaces tryptophan 35 with a stop codon.
Molecular consequence: nonsense. On other transcripts: 5 prime UTR variant (1), non-coding transcript variant (1).
Genome position (GRCh38, 1-based): chr7:2,554,327, C>T on the plus strand (G>A on the coding strand, the complement: BRAT1 is on the minus strand). VCF-style: chr7-2554327-C-T. GRCh37 (hg19) VCF-style: chr7-2593961-C-T.
Other names: c.105G>A, p.Trp35Ter (NM_001350626.2); c.-273G>A (NM_001350627.2); short protein forms W35*.
Identifiers: ClinVar variation 573854 (VCV000573854.6), dbSNP rs1562596651, ClinGen allele CA366633442.
Genomic context (GRCh38, chr7:2,554,327, plus strand): 5'-CTCTGGATAGGCAGTAAACAGCAGCACCACCTCCTTACCTCCTTCAGTGACCGTTTTAAA[C>T]CAGTCCAGGAGCTTCTCCAAACAGGTGTCATCTGCCACCGGCTGCCTGGGATCTACCAGA-3'

ClinVar aggregate classification (germline): Pathogenic (1 of 4 stars; one submission).

Conditions:
Neonatal-onset encephalopathy with rigidity and seizures. Also called: Lethal neonatal spasticity-epileptic encephalopathy syndrome. Identifiers: Orphanet 435845, MedGen C3281029, MONDO:0013784, OMIM 614498.

Submission:

Labcorp Genetics (formerly Invitae), Labcorp
Classification: Pathogenic for Neonatal-onset encephalopathy with rigidity and seizures. Last evaluated: 2018-05-10. Review status: criteria provided, single submitter. Criteria: Invitae Variant Classification Sherloc (09022015). Collection method: clinical testing. Allele origin: germline.
Comment: This variant is not present in population databases (ExAC no frequency). This sequence change creates a premature translational stop signal (p.Trp35*) in the BRAT1 gene. It is expected to result in an absent or disrupted protein product. For these reasons, this variant has been classified as Pathogenic. Loss-of-function variants in BRAT1 are known to be pathogenic (PMID: 22279524, 25500575). This variant has not been reported in the literature in individuals with BRAT1-related disease.

Literature cited by the submitters: PubMed 22279524; PubMed 25500575.